The following is an entry in ClinVar:

NM_001291303.3(FAT4):c.739C>A (p.Pro247Thr)

Gene: FAT4 (FAT atypical cadherin 4; plus strand). Cytogenetic location: 4q28.1.
Variant type: single nucleotide variant.
Coding change: c.739C>A on transcript NM_001291303.3 (MANE Select); coding-DNA position 739, C replaced by A.
Protein change: p.Pro247Thr; replaces proline 247 with threonine.
Molecular consequence: missense variant.
Genome position (GRCh38, 1-based): chr4:125,317,150, C>A. VCF-style: chr4-125317150-C-A. GRCh37 (hg19) VCF-style: chr4-126238305-C-A.
Other names: c.739C>A, p.Pro247Thr (NM_001291285.3, NM_024582.6); c.739C>A (NM_001291303.1); short protein forms P247T.
Identifiers: ClinVar variation 380918 (VCV000380918.62), dbSNP rs191329848, ClinGen allele CA3071852.

ClinVar aggregate classification (germline): Benign/Likely benign. Review status: criteria provided, multiple submitters, no conflicts (2 of 4 stars). 8 submissions from 8 submitters: Benign (2); Likely benign (2). 4 of the submissions do not count toward it. Last evaluated 2026-07-01.

Conditions:
FAT4-related disorder. Also called: FAT4-related condition.

Allele frequency attached by ClinVar (database versions not stated): 1000 Genomes Project 30x 0.00203; 1000 Genomes Project 0.00280; ESP Exome Variant Server 0.00416; TOPMed 0.00524.
gnomAD v4.1: 8,724 of 1,610,432 alleles (0.54%); highest among the groups gnomAD compares: Admixed American, 0.7%; 29 homozygotes.

Submissions (8):

CeGaT Center for Human Genetics Tuebingen
Classification: Likely benign. Last evaluated: 2026-07-01. Review status: criteria provided, single submitter. Criteria: CeGaT Center For Human Genetics Tuebingen Variant Classification Criteria Version 2. Collection method: clinical testing. Allele origin: germline. Affected: yes. Observed: 41 variant alleles.
Comment: FAT4: BS2

Labcorp Genetics (formerly Invitae), Labcorp
Classification: Benign. Last evaluated: 2026-02-01. Review status: criteria provided, single submitter. Criteria: Invitae Variant Classification Sherloc (09022015). Collection method: clinical testing. Allele origin: germline.

ARUP Laboratories, Molecular Genetics and Genomics, ARUP Laboratories
Classification: Likely benign. Last evaluated: 2020-07-04. Review status: criteria provided, single submitter. Criteria: ARUP Molecular Germline Variant Investigation Process. Collection method: clinical testing. Allele origin: germline.

GeneDx
Classification: Benign. Last evaluated: 2016-11-27. Review status: criteria provided, single submitter. Criteria: GeneDx Variant Classification (06012015). Collection method: clinical testing. Allele origin: germline. Affected: yes.
Comment: This variant is considered likely benign or benign based on one or more of the following criteria: it is a conservative change, it occurs at a poorly conserved position in the protein, it is predicted to be benign by multiple in silico algorithms, and/or has population frequency not consistent with disease.

PreventionGenetics, part of Exact Sciences
Classification: Likely benign for FAT4-related condition. Last evaluated: 2019-09-06. Review status: no assertion criteria provided. Collection method: clinical testing. Allele origin: germline. Not counted in ClinVar's aggregate classification.
Comment: This variant is classified as likely benign based on ACMG/AMP sequence variant interpretation guidelines (Richards et al. 2015 PMID: 25741868, with internal and published modifications).

Clinical Genetics, Academic Medical Center
Classification: Likely benign. Review status: no assertion criteria provided. Collection method: clinical testing. Allele origin: germline. Affected: yes. Study: VKGL Data-share Consensus. Not counted in ClinVar's aggregate classification.

Genome Diagnostics Laboratory, University Medical Center Utrecht
Classification: Benign. Review status: no assertion criteria provided. Collection method: clinical testing. Allele origin: germline. Affected: yes. Study: VKGL Data-share Consensus. Not counted in ClinVar's aggregate classification.

Laboratory of Diagnostic Genome Analysis, Leiden University Medical Center (LUMC)
Classification: Likely benign. Review status: no assertion criteria provided. Collection method: clinical testing. Allele origin: germline. Affected: yes. Study: VKGL Data-share Consensus. Not counted in ClinVar's aggregate classification.